The following is an entry in ClinVar:

NM_020975.6(RET):c.77C>T (p.Ala26Val)

Gene: RET (ret proto-oncogene; plus strand). Cytogenetic location: 10q11.21.
Variant type: single nucleotide variant.
Coding change: c.77C>T on transcript NM_020975.6 (MANE Select); coding-DNA position 77, C replaced by T.
Protein change: p.Ala26Val; replaces alanine 26 with valine.
Molecular consequence: missense variant. On other transcripts: intron variant (4).
Genome position (GRCh38, 1-based): chr10:43,100,462, C>T. VCF-style: chr10-43100462-C-T. GRCh37 (hg19) VCF-style: chr10-43595910-C-T.
Other names: c.77C>T, p.Ala26Val (NM_000323.2, NM_001406743.1, NM_001406744.1 and 34 more transcripts); c.74-8569C>T (NM_001406784.1); c.74-11637C>T (NM_001406794.1, NM_001406792.1, NM_001406793.1); short protein forms A26V.
Identifiers: ClinVar variation 3016033 (VCV003016033.6), dbSNP rs2132656365, ClinGen allele CA376770040.

ClinVar aggregate classification (germline): Uncertain significance. Review status: criteria provided, multiple submitters, no conflicts (2 of 4 stars). 3 submissions from 3 submitters: Uncertain significance (3). Last evaluated 2025-11-16.

Conditions:
Hereditary cancer-predisposing syndrome. Also called: Neoplastic Syndromes, Hereditary; Tumor predisposition; Hereditary neoplastic syndrome; Hereditary Cancer Syndrome. Identifiers: Orphanet 140162, MedGen C0027672, MeSH D009386, MONDO:0015356.
Multiple endocrine neoplasia, type 2 (MEN2). Identifiers: Orphanet 653, MedGen C4048306, MONDO:0019003. Disease mechanism: gain of function.

Allele frequency attached by ClinVar (database versions not stated): gnomAD exomes below 0.00001.
gnomAD v4.1: 1 of 1,613,332 alleles (0.000062%); highest among the groups gnomAD compares: African/African-American, 0.0013%; no homozygotes.

Submissions (3):

Ambry Genetics
Classification: Uncertain significance for Hereditary cancer-predisposing syndrome. Last evaluated: 2025-11-16. Review status: criteria provided, single submitter. Criteria: Ambry Variant Classification Scheme 2023. Collection method: clinical testing. Allele origin: germline.
Comment: The p.A26V variant (also known as c.77C>T), located in coding exon 2 of the RET gene, results from a C to T substitution at nucleotide position 77. The alanine at codon 26 is replaced by valine, an amino acid with similar properties. This amino acid position is conserved. In addition, this alteration is predicted to be tolerated by in silico analysis. Since supporting evidence is limited at this time, the clinical significance of this alteration remains unclear.

GeneDx
Classification: Uncertain significance. Last evaluated: 2024-04-30. Review status: criteria provided, single submitter. Criteria: GeneDx Variant Classification Process June 2021. Collection method: clinical testing. Allele origin: germline. Affected: yes.
Comment: Not observed at significant frequency in large population cohorts (gnomAD); In silico analysis indicates that this missense variant does not alter protein structure/function; Has not been previously published as pathogenic or benign to our knowledge

Labcorp Genetics (formerly Invitae), Labcorp
Classification: Uncertain significance for Multiple endocrine neoplasia, type 2. Last evaluated: 2023-10-09. Review status: criteria provided, single submitter. Criteria: Invitae Variant Classification Sherloc (09022015). Collection method: clinical testing. Allele origin: germline.
Comment: This sequence change replaces alanine, which is neutral and non-polar, with valine, which is neutral and non-polar, at codon 26 of the RET protein (p.Ala26Val). This variant is not present in population databases (gnomAD no frequency). This variant has not been reported in the literature in individuals affected with RET-related conditions. An algorithm developed to predict the effect of missense changes on protein structure and function (PolyPhen-2) suggests that this variant is likely to be tolerated. In summary, the available evidence is currently insufficient to determine the role of this variant in disease. Therefore, it has been classified as a Variant of Uncertain Significance.